The following is an entry in ClinVar:

ClinVar aggregate classification (germline): Benign (1 of 4 stars; one submission).

Allele frequency attached by ClinVar (database versions not stated): gnomAD 0.46285 and 0.46658; TOPMed 0.48566; 1000 Genomes Project 0.56829; 1000 Genomes Project 30x 0.57042.
gnomAD v4.1: 70,662 of 151,952 alleles (47%); highest among the groups gnomAD compares: African/African-American, 67%; 18,040 homozygotes.

Submission:

GeneDx
Classification: Benign. Last evaluated: 2018-06-14. Review status: criteria provided, single submitter. Criteria: GeneDx Variant Classification (06012015). Collection method: clinical testing. Allele origin: germline. Affected: yes.
Comment: This variant is considered likely benign or benign based on one or more of the following criteria: it is a conservative change, it occurs at a poorly conserved position in the protein, it is predicted to be benign by multiple in silico algorithms, and/or has population frequency not consistent with disease.

NM_006420.3(ARFGEF2):c.908-284T>C

Gene: ARFGEF2 (ARF guanine nucleotide exchange factor 2; plus strand). Cytogenetic location: 20q13.13.
Variant type: single nucleotide variant.
Coding change: c.908-284T>C on transcript NM_006420.3 (MANE Select); 284 bases into the intron before coding-DNA position 908, T replaced by C.
Molecular consequence: intron variant.
Genome position (GRCh38, 1-based): chr20:48,965,588, T>C. VCF-style: chr20-48965588-T-C. GRCh37 (hg19) VCF-style: chr20-47582125-T-C.
Identifiers: ClinVar variation 667988 (VCV000667988.1), dbSNP rs2295023, ClinGen allele CA15979671.